The following is an entry in ClinVar:

NM_000051.4(ATM):c.7061C>A (p.Ala2354Glu)

Genes: C11orf65 (chromosome 11 open reading frame 65; minus strand), ATM (ATM serine/threonine kinase; plus strand). Cytogenetic location: 11q22.3.
Variant type: single nucleotide variant.
Coding change: c.7061C>A on transcript NM_000051.4 (MANE Select); coding-DNA position 7061, C replaced by A.
Protein change: p.Ala2354Glu; replaces alanine 2354 with glutamic acid.
Molecular consequence: missense variant. On other transcripts: intron variant (2).
Genome position (GRCh38, 1-based): chr11:108,327,730, C>A. VCF-style: chr11-108327730-C-A. GRCh37 (hg19) VCF-style: chr11-108198457-C-A.
Other names: c.7061C>A, p.Ala2354Glu (NM_001351834.2); c.641-18659G>T (NM_001330368.2); c.*38+7490G>T (NM_001351110.2); short protein forms A2354E.
Identifiers: ClinVar variation 961264 (VCV000961264.12), dbSNP rs1555121079, ClinGen allele CA382559030.

ClinVar aggregate classification (germline): Uncertain significance. Review status: criteria provided, multiple submitters, no conflicts (2 of 4 stars). 2 submissions from 2 submitters: Uncertain significance (2). Last evaluated 2025-12-11.

Conditions:
Hereditary cancer-predisposing syndrome. Also called: Tumor predisposition; Neoplastic Syndromes, Hereditary; Hereditary neoplastic syndrome; Hereditary Cancer Syndrome. Identifiers: Orphanet 140162, MedGen C0027672, MeSH D009386, MONDO:0015356.
Ataxia-telangiectasia syndrome (AT). Also called: Ataxia-telangiectasia, complementation group D; AT, COMPLEMENTATION GROUP C; ATAXIA-TELANGIECTASIA, COMPLEMENTATION GROUP A; ATAXIA-TELANGIECTASIA, FRESNO VARIANT; Ataxia-telangiectasia; Ataxia telangiectasia (A-T). Identifiers: Orphanet 100, MedGen C0004135, MONDO:0008840, OMIM 208900.

Submissions (2):

Ambry Genetics
Classification: Uncertain significance for Hereditary cancer-predisposing syndrome. Last evaluated: 2025-12-11. Review status: criteria provided, single submitter. Criteria: Ambry Variant Classification Scheme 2023. Collection method: clinical testing. Allele origin: germline.
Comment: The p.A2354E variant (also known as c.7061C>A), located in coding exon 47 of the ATM gene, results from a C to A substitution at nucleotide position 7061. The alanine at codon 2354 is replaced by glutamic acid, an amino acid with dissimilar properties. This amino acid position is conserved. In addition, this alteration is predicted to be tolerated by in silico analysis. Based on the available evidence, the clinical significance of this variant remains unclear.

Labcorp Genetics (formerly Invitae), Labcorp
Classification: Uncertain significance for Ataxia-telangiectasia syndrome. Last evaluated: 2022-11-14. Review status: criteria provided, single submitter. Criteria: Invitae Variant Classification Sherloc (09022015). Collection method: clinical testing. Allele origin: germline.
Comment: This variant is not present in population databases (gnomAD no frequency). This sequence change replaces alanine, which is neutral and non-polar, with glutamic acid, which is acidic and polar, at codon 2354 of the ATM protein (p.Ala2354Glu). This variant has not been reported in the literature in individuals affected with ATM-related conditions. ClinVar contains an entry for this variant (Variation ID: 961264). Algorithms developed to predict the effect of missense changes on protein structure and function (SIFT, PolyPhen-2, Align-GVGD) all suggest that this variant is likely to be tolerated. In summary, the available evidence is currently insufficient to determine the role of this variant in disease. Therefore, it has been classified as a Variant of Uncertain Significance.